The following is an entry in ClinVar:

NM_001100913.3(PACS2):c.1891+3G>A

Gene: PACS2 (phosphofurin acidic cluster sorting protein 2; plus strand). Cytogenetic location: 14q32.33.
Variant type: single nucleotide variant.
Coding change: c.1891+3G>A on transcript NM_001100913.3 (MANE Select); 3 bases into the intron after coding-DNA position 1891, G replaced by A.
Molecular consequence: intron variant.
Genome position (GRCh38, 1-based): chr14:105,384,466, G>A. VCF-style: chr14-105384466-G-A. GRCh37 (hg19) VCF-style: chr14-105850803-G-A.
Other names: c.1654+3G>A (NM_001243127.3); c.1879+3G>A (NM_015197.4).
Identifiers: ClinVar variation 2711282 (VCV002711282.3), dbSNP rs2544828808, ClinGen allele CA2697554255.

ClinVar aggregate classification (germline): Uncertain significance (1 of 4 stars; one submission).

Submission:

Labcorp Genetics (formerly Invitae), Labcorp
Classification: Uncertain significance. Last evaluated: 2024-01-25. Review status: criteria provided, single submitter. Criteria: Invitae Variant Classification Sherloc (09022015). Collection method: clinical testing. Allele origin: germline.
Comment: This sequence change falls in intron 17 of the PACS2 gene. It does not directly change the encoded amino acid sequence of the PACS2 protein. It affects a nucleotide within the consensus splice site. This variant is not present in population databases (gnomAD no frequency). This variant has not been reported in the literature in individuals affected with PACS2-related conditions. Variants that disrupt the consensus splice site are a relatively common cause of aberrant splicing (PMID: 17576681, 9536098). Algorithms developed to predict the effect of sequence changes on RNA splicing suggest that this variant is not likely to affect RNA splicing. In summary, the available evidence is currently insufficient to determine the role of this variant in disease. Therefore, it has been classified as a Variant of Uncertain Significance.

Literature cited by the submitters: PubMed 17576681; PubMed 9536098.